The following is an entry in ClinVar:

ClinVar aggregate classification (germline): Uncertain significance (1 of 4 stars; one submission).

gnomAD v4.1: 10 of 1,609,980 alleles (0.00062%); highest among the groups gnomAD compares: Non-Finnish European, 0.00085%; no homozygotes.

Submission:

Labcorp Genetics (formerly Invitae), Labcorp
Classification: Uncertain significance. Last evaluated: 2023-11-27. Review status: criteria provided, single submitter. Criteria: Invitae Variant Classification Sherloc (09022015). Collection method: clinical testing. Allele origin: germline.
Comment: This sequence change replaces cysteine, which is neutral and slightly polar, with glycine, which is neutral and non-polar, at codon 405 of the ABCB11 protein (p.Cys405Gly). This variant is not present in population databases (gnomAD no frequency). This variant has not been reported in the literature in individuals affected with ABCB11-related conditions. Advanced modeling of protein sequence and biophysical properties (such as structural, functional, and spatial information, amino acid conservation, physicochemical variation, residue mobility, and thermodynamic stability) has been performed at Invitae for this missense variant, however the output from this modeling did not meet the statistical confidence thresholds required to predict the impact of this variant on ABCB11 protein function. In summary, the available evidence is currently insufficient to determine the role of this variant in disease. Therefore, it has been classified as a Variant of Uncertain Significance.

NM_003742.4(ABCB11):c.1213T>G (p.Cys405Gly)

Gene: ABCB11 (ATP binding cassette subfamily B member 11; minus strand). Cytogenetic location: 2q31.1.
Variant type: single nucleotide variant.
Coding change: c.1213T>G on transcript NM_003742.4 (MANE Select); coding-DNA position 1213, T replaced by G.
Protein change: p.Cys405Gly; replaces cysteine 405 with glycine.
Molecular consequence: missense variant.
Genome position (GRCh38, 1-based): chr2:168,976,672, A>C on the plus strand (T>G on the coding strand, the complement: ABCB11 is on the minus strand). VCF-style: chr2-168976672-A-C. GRCh37 (hg19) VCF-style: chr2-169833182-A-C.
Other names: short protein forms C405G.
Identifiers: ClinVar variation 2892468 (VCV002892468.3), dbSNP rs780343280, ClinGen allele CA349119425.